The following is an entry in ClinVar:

NM_000214.3(JAG1):c.402G>C (p.Leu134Phe)

Gene: JAG1 (jagged canonical Notch ligand 1; minus strand). Cytogenetic location: 20p12.2.
Variant type: single nucleotide variant.
Coding change: c.402G>C on transcript NM_000214.3 (MANE Select); coding-DNA position 402, G replaced by C.
Protein change: p.Leu134Phe; replaces leucine 134 with phenylalanine.
Molecular consequence: missense variant.
Genome position (GRCh38, 1-based): chr20:10,664,000, C>G on the plus strand (G>C on the coding strand, the complement: JAG1 is on the minus strand). VCF-style: chr20-10664000-C-G. GRCh37 (hg19) VCF-style: chr20-10644648-C-G.
Other names: short protein forms L134F.
Identifiers: ClinVar variation 3573294 (VCV003573294.2).

Conditions:
Arteriohepatic dysplasia. Also called: Alagille Syndrome. Identifiers: Orphanet 52, MedGen C0085280, MeSH D016738, MONDO:0007318.

Submission:

Gilbert/Spinner Lab, Children's Hospital of Philadelphia
No classification provided (evidence only). Condition: Alagille syndrome. Review status: no classification provided. Collection method: research. Allele origin: not applicable. Functional consequence: functionally_abnormal.
ClinVar note: "not provided" was previously submitted as the classification for the variant. However, the classification appeared to be based only on an observation of functional data so it was converted to no classification on 2025-07-30.